The following is an entry in ClinVar:

ClinVar aggregate classification (germline): Uncertain significance. Review status: criteria provided, multiple submitters, no conflicts (2 of 4 stars). 2 submissions from 2 submitters: Uncertain significance (2). Last evaluated 2025-06-30.

Conditions:
Inborn genetic diseases. Identifiers: MedGen C0950123, MeSH D030342.

gnomAD v4.1: 5 of 1,613,414 alleles (0.00031%); highest among the groups gnomAD compares: East Asian, 0.0022%; no homozygotes.

Submissions (2):

GeneDx
Classification: Uncertain significance. Last evaluated: 2025-06-30. Review status: criteria provided, single submitter. Criteria: GeneDx Variant Classification Process June 2021. Collection method: clinical testing. Allele origin: germline. Affected: yes.
Comment: Not observed at significant frequency in large population cohorts (gnomAD); In silico analysis suggests that this missense variant does not alter protein structure/function; Has not been previously published as pathogenic or benign to our knowledge

Ambry Genetics
Classification: Uncertain significance for Inborn genetic diseases. Last evaluated: 2024-03-18. Review status: criteria provided, single submitter. Criteria: Ambry Variant Classification Scheme 2023. Collection method: clinical testing. Allele origin: germline.

NM_001042646.3(TRAK1):c.56T>C (p.Leu19Pro)

Gene: TRAK1 (trafficking kinesin protein 1; plus strand). Cytogenetic location: 3p22.1.
Variant type: single nucleotide variant.
Coding change: c.56T>C on transcript NM_001042646.3 (MANE Select); coding-DNA position 56, T replaced by C.
Protein change: p.Leu19Pro; replaces leucine 19 with proline.
Molecular consequence: missense variant. On other transcripts: intron variant (1).
Genome position (GRCh38, 1-based): chr3:42,091,525, T>C. VCF-style: chr3-42091525-T-C. GRCh37 (hg19) VCF-style: chr3-42133017-T-C.
Other names: c.56T>C (NM_001042646.2); c.56T>C, p.Leu19Pro (NM_001349247.2, NM_001349246.2, NM_001265608.2); c.-222+4125T>C (NM_001349245.1); short protein forms L19P.
Identifiers: ClinVar variation 3328447 (VCV003328447.2).
Genomic context (GRCh38, chr3:42,091,525, plus strand): 5'-TGCACATGGCATTGGTTTTTCAATTCGGGCAGCCCGTCAGGGCTCAGCCTCTGCCAGGAC[T>C]CTGCCACGGCAAGCTCATTCGGACAAACGCCTGTGGTAAGTTTGTTTGCCAGGTCTGTCT-3'
Protein context (NP_001036111.1, residues 9-29): QPVRAQPLPG[Leu19Pro]CHGKLIRTNA